The following is an entry in ClinVar:

ClinVar aggregate classification (germline): Uncertain significance (1 of 4 stars; one submission).

Conditions:
Malignant hyperthermia, susceptibility to, 1 (MHS1). Also called: Anesthesia related hyperthermia; Malignant hyperpyrexia; Fulminating hyperpyrexia; Pharmacogenic myopathy; RYR1-Related Malignant Hyperthermia Susceptibility; Malignant hyperthermia suceptibility 1. Identifiers: Orphanet 423, MedGen C2930980, MONDO:0007783, OMIM 145600.

Submission:

All of Us Research Program, National Institutes of Health
Classification: Uncertain significance for Malignant hyperthermia, susceptibility to, 1. Last evaluated: 2023-06-26. Review status: criteria provided, single submitter. Criteria: ACMG Guidelines, 2015. Collection method: clinical testing. Allele origin: germline. Inheritance: Autosomal dominant inheritance. Observed: 1 variant allele, 1 heterozygote.
Comment: This missense variant replaces leucine with proline at codon 605 of the RYR1 protein. Computational prediction suggests that this variant may have deleterious impact on protein structure and function (internally defined REVEL score threshold >= 0.7, PMID: 27666373). To our knowledge, functional studies have not been reported for this variant. This variant has not been reported in individuals affected with RYR1-related disorders in the literature. This variant has not been identified in the general population by the Genome Aggregation Database (gnomAD). The available evidence is insufficient to determine the role of this variant in disease conclusively. Therefore, this variant is classified as a Variant of Uncertain Significance.

This study involves interpretation of variants in research participants for the purpose of population health screening. Participant phenotype was not available at the time of variant classification. Additional details can be found in publication PMID: 35346344, PMCID: PMC8962531

NM_000540.3(RYR1):c.1814T>C (p.Leu605Pro)

Gene: RYR1 (ryanodine receptor 1; plus strand). Cytogenetic location: 19q13.2.
Variant type: single nucleotide variant.
Coding change: c.1814T>C on transcript NM_000540.3 (MANE Select); coding-DNA position 1814, T replaced by C.
Protein change: p.Leu605Pro; replaces leucine 605 with proline.
Molecular consequence: missense variant.
Genome position (GRCh38, 1-based): chr19:38,457,519, T>C. VCF-style: chr19-38457519-T-C. GRCh37 (hg19) VCF-style: chr19-38948159-T-C.
Other names: c.1814T>C, p.Leu605Pro (NM_001042723.2); short protein forms L605P.
Identifiers: ClinVar variation 3071793 (VCV003071793.1), dbSNP rs2514038024, ClinGen allele CA405693734.
Genomic context (GRCh38, chr19:38,457,519, plus strand): 5'-TGCCTACACACCCTTTAACCTCTGACCTTGACCTCTAGGTCCTGGACGTGCTATGCTCCC[T>C]GTGTGTGTGTAATGGTGTGGCTGTACGCTCCAACCAAGATCTTATTACTGAGAACTTGCT-3'
Protein context (NP_000531.2, residues 595-615): NHKVLDVLCS[Leu605Pro]CVCNGVAVRS